The following is an entry in ClinVar:

ClinVar aggregate classification (germline): Uncertain significance. Review status: criteria provided, multiple submitters, no conflicts (2 of 4 stars). 2 submissions from 2 submitters: Uncertain significance (2). Last evaluated 2025-12-20.

Conditions:
Fanconi anemia (FA). Also called: Fanconi's anemia. Identifiers: Orphanet 84, MedGen C0015625, MeSH D005199, MONDO:0019391.
Inborn genetic diseases. Identifiers: MedGen C0950123, MeSH D030342.

Submissions (2):

Ambry Genetics
Classification: Uncertain significance for Inborn genetic diseases. Last evaluated: 2025-12-20. Review status: criteria provided, single submitter. Criteria: Ambry Variant Classification Scheme 2023. Collection method: clinical testing. Allele origin: germline.
Comment: The p.D530E variant (also known as c.1590T>A), located in coding exon 12 of the FANCG gene, results from a T to A substitution at nucleotide position 1590. The aspartic acid at codon 530 is replaced by glutamic acid, an amino acid with highly similar properties. This amino acid position is conserved. In addition, this alteration is predicted to be tolerated by in silico analysis. Based on the available evidence, the clinical significance of this variant remains unclear.

Labcorp Genetics (formerly Invitae), Labcorp
Classification: Uncertain significance for Fanconi anemia. Last evaluated: 2024-04-17. Review status: criteria provided, single submitter. Criteria: Invitae Variant Classification Sherloc (09022015). Collection method: clinical testing. Allele origin: germline.
Comment: This sequence change replaces aspartic acid, which is acidic and polar, with glutamic acid, which is acidic and polar, at codon 530 of the FANCG protein (p.Asp530Glu). This variant is not present in population databases (gnomAD no frequency). This variant has not been reported in the literature in individuals affected with FANCG-related conditions. Advanced modeling of protein sequence and biophysical properties (such as structural, functional, and spatial information, amino acid conservation, physicochemical variation, residue mobility, and thermodynamic stability) performed at Invitae indicates that this missense variant is not expected to disrupt FANCG protein function with a negative predictive value of 80%. In summary, the available evidence is currently insufficient to determine the role of this variant in disease. Therefore, it has been classified as a Variant of Uncertain Significance.

NM_004629.2(FANCG):c.1590T>A (p.Asp530Glu)

Gene: FANCG (FA complementation group G; minus strand). Cytogenetic location: 9p13.3.
Variant type: single nucleotide variant.
Coding change: c.1590T>A on transcript NM_004629.2 (MANE Select); coding-DNA position 1590, T replaced by A.
Protein change: p.Asp530Glu; replaces aspartic acid 530 with glutamic acid.
Molecular consequence: missense variant.
Genome position (GRCh38, 1-based): chr9:35,074,973, A>T on the plus strand (T>A on the coding strand, the complement: FANCG is on the minus strand). VCF-style: chr9-35074973-A-T. GRCh37 (hg19) VCF-style: chr9-35074970-A-T.
Other names: short protein forms D530E.
Identifiers: ClinVar variation 3628162 (VCV003628162.3).
Genomic context (GRCh38, chr9:35,074,973, plus strand): 5'-GCAAGTATACATACCTGGGCACATCTGCACACTGAGGAGGAAGTCCTGTAAGGCTTTGGT[A>T]TCCTGGCCGCTGGCTACCCATTCCAGTCCACGACTAATTAGGGCGGCTGCCCGAAGCTGC-3'
Protein context (NP_004620.1, residues 520-540): RGLEWVASGQ[Asp530Glu]TKALQDFLLS